The following is an entry in ClinVar:

NM_001163735.2(MYO19):c.2736G>A (p.Thr912=)

Genes: MYO19 (myosin XIX; minus strand), ZNHIT3 (zinc finger HIT-type containing 3; plus strand). Cytogenetic location: 17q12.
Variant type: single nucleotide variant.
Coding change: c.2736G>A on transcript NM_001163735.2 (MANE Select); coding-DNA position 2736, G replaced by A.
Protein change: p.Thr912=; no amino-acid change (threonine 912 retained).
Molecular consequence: synonymous variant. On other transcripts: 3 prime UTR variant (1), non-coding transcript variant (1).
Genome position (GRCh38, 1-based): chr17:36,498,287, C>T on the plus strand (G>A on the coding strand, the complement: MYO19 is on the minus strand). VCF-style: chr17-36498287-C-T. GRCh37 (hg19) VCF-style: chr17-34854131-C-T.
Other names: c.2136G>A, p.Thr712= (NM_025109.6); c.*521C>T (NM_001281432.2).
Identifiers: ClinVar variation 3239611 (VCV003239611.18), dbSNP rs1194357871.
Genomic context (GRCh38, chr17:36,498,287, plus strand): 5'-TCAGGAACAAAGCTGTCATGGCCATCACACACAACGTACCTGAGGCAGCGCTCGGATGGA[C>T]GTGACACCAGCCTGGTCTTGTGCTGTCTGGACAGTGTAGCTACTGGGGCTGCCCCTGGGG-3'
Protein context (NP_001157207.1, residues 902-922): VQTAQDQAGV[Thr912=]SIRALPQGSI

ClinVar aggregate classification (germline): Likely benign (1 of 4 stars; one submission).

Submission:

CeGaT Center for Human Genetics Tuebingen
Classification: Likely benign. Last evaluated: 2024-05-01. Review status: criteria provided, single submitter. Criteria: CeGaT Center For Human Genetics Tuebingen Variant Classification Criteria Version 2. Collection method: clinical testing. Allele origin: germline. Affected: yes. Observed: 1 variant allele.
Comment: MYO19: BP4, BP7